The following is an entry in ClinVar:

ClinVar aggregate classification (germline): Uncertain significance (1 of 4 stars; one submission).

gnomAD v4.1: 14 of 1,613,522 alleles (0.00087%); highest among the groups gnomAD compares: East Asian, 0.0045%; no homozygotes.

Submission:

Labcorp Genetics (formerly Invitae), Labcorp
Classification: Uncertain significance. Last evaluated: 2021-08-30. Review status: criteria provided, single submitter. Criteria: Invitae Variant Classification Sherloc (09022015). Collection method: clinical testing. Allele origin: germline.
Comment: This sequence change replaces alanine with threonine at codon 1042 of the SZT2 protein (p.Ala1042Thr). The alanine residue is weakly conserved and there is a small physicochemical difference between alanine and threonine. This variant is not present in population databases (ExAC no frequency). This variant has not been reported in the literature in individuals affected with SZT2-related conditions. Algorithms developed to predict the effect of missense changes on protein structure and function output the following: SIFT: "Tolerated"; PolyPhen-2: "Benign"; Align-GVGD: "Class C0". The threonine amino acid residue is found in multiple mammalian species, which suggests that this missense change does not adversely affect protein function. In summary, the available evidence is currently insufficient to determine the role of this variant in disease. Therefore, it has been classified as a Variant of Uncertain Significance.

NM_001365999.1(SZT2):c.3295G>A (p.Ala1099Thr)

Gene: SZT2 (SZT2 subunit of KICSTOR complex; plus strand). Cytogenetic location: 1p34.2.
Variant type: single nucleotide variant.
Coding change: c.3295G>A on transcript NM_001365999.1 (MANE Select); coding-DNA position 3295, G replaced by A.
Protein change: p.Ala1099Thr; replaces alanine 1099 with threonine.
Molecular consequence: missense variant.
Genome position (GRCh38, 1-based): chr1:43,426,795, G>A. VCF-style: chr1-43426795-G-A. GRCh37 (hg19) VCF-style: chr1-43892466-G-A.
Other names: c.3124G>A, p.Ala1042Thr (NM_015284.4); short protein forms A1042T, A1099T.
Identifiers: ClinVar variation 1010669 (VCV001010669.6), dbSNP rs760581304, ClinGen allele CA21634207.